The following is an entry in ClinVar:

ClinVar aggregate classification (germline): Likely benign. Review status: criteria provided, multiple submitters, no conflicts (2 of 4 stars). 4 submissions from 4 submitters: Likely benign (4). Last evaluated 2026-01-28.

Allele frequency attached by ClinVar (database versions not stated): ESP Exome Variant Server 0.00022; ExAC 0.00027; gnomAD exomes 0.00030; TOPMed 0.00032; gnomAD 0.00051.
gnomAD v4.1: 659 of 1,551,804 alleles (0.042%); highest among the groups gnomAD compares: Middle Eastern, 0.067%; 2 homozygotes.

Submissions (4):

Labcorp Genetics (formerly Invitae), Labcorp
Classification: Likely benign. Last evaluated: 2026-01-28. Review status: criteria provided, single submitter. Criteria: Invitae Variant Classification Sherloc (09022015). Collection method: clinical testing. Allele origin: germline.

Women's Health and Genetics/Laboratory Corporation of America, LabCorp
Classification: Likely benign. Last evaluated: 2025-09-04. Review status: criteria provided, single submitter. Criteria: LabCorp Variant Classification Summary - May 2015. Collection method: clinical testing. Allele origin: germline.

Blueprint Genetics
Classification: Likely benign. Last evaluated: 2024-10-02. Review status: criteria provided, single submitter. Criteria: ACMG Guidelines, 2015. Collection method: clinical testing. Allele origin: germline.

CeGaT Center for Human Genetics Tuebingen
Classification: Likely benign. Last evaluated: 2023-09-01. Review status: criteria provided, single submitter. Criteria: CeGaT Center For Human Genetics Tuebingen Variant Classification Criteria Version 2. Collection method: clinical testing. Allele origin: germline. Affected: yes. Observed: 1 variant allele.
Comment: UNC80: BP4, BP7

NM_001371986.1(UNC80):c.6555C>T (p.His2185=)

Gene: UNC80 (unc-80 subunit of NALCN channel complex; plus strand). Cytogenetic location: 2q34.
Variant type: single nucleotide variant.
Coding change: c.6555C>T on transcript NM_001371986.1 (MANE Select); coding-DNA position 6555, C replaced by T.
Protein change: p.His2185=; no amino-acid change (histidine 2185 retained).
Molecular consequence: synonymous variant.
Genome position (GRCh38, 1-based): chr2:209,939,561, C>T. VCF-style: chr2-209939561-C-T. GRCh37 (hg19) VCF-style: chr2-210804285-C-T.
Other names: c.6357C>T, p.His2119= (NM_032504.2); c.6342C>T, p.His2114= (NM_182587.4).
Identifiers: ClinVar variation 729044 (VCV000729044.34), dbSNP rs78714720, ClinGen allele CA2083386.